The following is an entry in ClinVar:

NM_001256789.3(CACNA1F):c.3854G>A (p.Arg1285His)

Gene: CACNA1F (calcium voltage-gated channel subunit alpha1 F; minus strand). Cytogenetic location: Xp11.23.
Variant type: single nucleotide variant.
Coding change: c.3854G>A on transcript NM_001256789.3 (MANE Select); coding-DNA position 3854, G replaced by A.
Protein change: p.Arg1285His; replaces arginine 1285 with histidine.
Molecular consequence: missense variant.
Genome position (GRCh38, 1-based): chrX:49,212,755, C>T on the plus strand (G>A on the coding strand, the complement: CACNA1F is on the minus strand). VCF-style: chrX-49212755-C-T. GRCh37 (hg19) VCF-style: chrX-49069215-C-T.
Other names: c.3692G>A, p.Arg1231His (NM_001256790.3); c.3887G>A, p.Arg1296His (NM_005183.4); short protein forms R1296H, R1285H, R1231H.
Identifiers: ClinVar variation 2976749 (VCV002976749.4), dbSNP rs782737751, ClinGen allele CA10410342.

ClinVar aggregate classification (germline): Conflicting classifications of pathogenicity. Review status: criteria provided, conflicting classifications (1 of 4 stars). 2 submissions from 2 submitters: Likely pathogenic (1); Uncertain significance (1). Last evaluated 2025-09-02.

Allele frequency attached by ClinVar (database versions not stated): gnomAD 0.00001; TOPMed 0.00002.
gnomAD v4.1: 13 of 1,207,363 alleles (0.0011%); highest among the groups gnomAD compares: South Asian, 0.0053%; no homozygotes.

Submissions (2):

Labcorp Genetics (formerly Invitae), Labcorp
Classification: Likely pathogenic. Last evaluated: 2025-09-02. Review status: criteria provided, single submitter. Criteria: Invitae Variant Classification Sherloc (09022015). Collection method: clinical testing. Allele origin: germline.
Comment: This sequence change replaces arginine, which is basic and polar, with histidine, which is basic and polar, at codon 1296 of the CACNA1F protein (p.Arg1296His). This variant is present in population databases (rs782737751, gnomAD 0.005%). This missense change has been observed in individuals with congenital stationary night blindness, type 2 and/or Leber congenital amaurosis (PMID: 38315492; internal data). This variant is also known as p.Arg1285His. ClinVar contains an entry for this variant (Variation ID: 2976749). Invitae Evidence Modeling of protein sequence and biophysical properties (such as structural, functional, and spatial information, amino acid conservation, physicochemical variation, residue mobility, and thermodynamic stability) indicates that this missense variant is expected to disrupt CACNA1F protein function with a positive predictive value of 80%. This variant disrupts the p.Arg1296 amino acid residue in CACNA1F. Other variant(s) that disrupt this residue have been observed in individuals with CACNA1F-related conditions (PMID: 15761389, 25307992, 38315492), which suggests that this may be a clinically significant amino acid residue. In summary, the currently available evidence indicates that the variant is pathogenic, but additional data are needed to prove that conclusively. Therefore, this variant has been classified as Likely Pathogenic.

Blueprint Genetics
Classification: Uncertain significance. Last evaluated: 2017-08-31. Review status: criteria provided, single submitter. Criteria: ACMG Guidelines, 2015. Collection method: clinical testing. Allele origin: germline.

Literature cited by the submitters: PubMed 38315492 (cited by Labcorp Genetics (formerly Invitae), Labcorp); PubMed 15761389 (cited by Labcorp Genetics (formerly Invitae), Labcorp); PubMed 25307992 (cited by Labcorp Genetics (formerly Invitae), Labcorp).